The following is an entry in ClinVar:

ClinVar aggregate classification (germline): Benign. Review status: criteria provided, multiple submitters, no conflicts (2 of 4 stars). 2 submissions from 2 submitters: Benign (2). Last evaluated 2026-02-03.

Allele frequency attached by ClinVar (database versions not stated): gnomAD 0.10047 and 0.10017; 1000 Genomes Project 30x 0.14694; ESP Exome Variant Server 0.09097; TOPMed 0.10830; 1000 Genomes Project 0.14477.
gnomAD v4.1: 100,073 of 1,497,380 alleles (6.7%); highest among the groups gnomAD compares: African/African-American, 20%; 4,607 homozygotes.

Submissions (2):

Labcorp Genetics (formerly Invitae), Labcorp
Classification: Benign. Last evaluated: 2026-02-03. Review status: criteria provided, single submitter. Criteria: Invitae Variant Classification Sherloc (09022015). Collection method: clinical testing. Allele origin: germline.

GeneDx
Classification: Benign. Last evaluated: 2022-01-27. Review status: criteria provided, single submitter. Criteria: GeneDx Variant Classification Process June 2021. Collection method: clinical testing. Allele origin: germline.
Comment: See Variant Classification Assertion Criteria.

NM_001220.5(CAMK2B):c.1528G>A (p.Glu510Lys)

Gene: CAMK2B (calcium/calmodulin dependent protein kinase II beta; minus strand). Cytogenetic location: 7p13.
Variant type: single nucleotide variant.
Coding change: c.1528G>A on transcript NM_001220.5 (MANE Select); coding-DNA position 1528, G replaced by A.
Protein change: p.Glu510Lys; replaces glutamic acid 510 with lysine.
Molecular consequence: missense variant. On other transcripts: intron variant (8).
Genome position (GRCh38, 1-based): chr7:44,226,585, C>T on the plus strand (G>A on the coding strand, the complement: CAMK2B is on the minus strand). VCF-style: chr7-44226585-C-T. GRCh37 (hg19) VCF-style: chr7-44266184-C-T.
Other names: c.1528G>A (NM_001220.4); c.947-5684G>A (NM_172084.3); c.1150+4421G>A (NM_172080.3); c.1036+4421G>A (NM_172083.3); c.1108+4421G>A (NM_172081.3); c.1153+4421G>A (NM_172079.3, NM_172082.3); c.1225+4421G>A (NM_001293170.2, NM_172078.3); short protein forms E510K.
Identifiers: ClinVar variation 1599890 (VCV001599890.10), dbSNP rs35452727, ClinGen allele CA4240254.